The following is an entry in ClinVar:

ClinVar aggregate classification (germline): Conflicting classifications of pathogenicity. Review status: criteria provided, conflicting classifications (1 of 4 stars). 2 submissions from 2 submitters: Likely pathogenic (1); Uncertain significance (1). Last evaluated 2026-06-01.

Conditions:
Parenti-mignot neurodevelopmental syndrome. Identifiers: MedGen C5676984, MONDO:0859249, OMIM 619873.

Submissions (2):

CeGaT Center for Human Genetics Tuebingen
Classification: Uncertain significance. Last evaluated: 2026-06-01. Review status: criteria provided, single submitter. Criteria: CeGaT Center For Human Genetics Tuebingen Variant Classification Criteria Version 2. Collection method: clinical testing. Allele origin: germline. Affected: yes. Observed: 1 variant allele.
Comment: CHD5: PM2, PVS1:Moderate

Department of Human Genetics, Hannover Medical School
Classification: Likely pathogenic for Parenti-mignot neurodevelopmental syndrome. Last evaluated: 2024-02-02. Review status: criteria provided, single submitter. Criteria: ACMG Guidelines, 2015. Collection method: clinical testing. Allele origin: germline. Affected: yes.

NM_015557.3(CHD5):c.3988C>T (p.Gln1330Ter)

Gene: CHD5 (chromodomain helicase DNA binding protein 5; minus strand). Cytogenetic location: 1p36.31.
Variant type: single nucleotide variant.
Coding change: c.3988C>T on transcript NM_015557.3 (MANE Select); coding-DNA position 3988, C replaced by T.
Protein change: p.Gln1330Ter; replaces glutamine 1330 with a stop codon.
Molecular consequence: nonsense.
Genome position (GRCh38, 1-based): chr1:6,126,662, G>A on the plus strand (C>T on the coding strand, the complement: CHD5 is on the minus strand). VCF-style: chr1-6126662-G-A. GRCh37 (hg19) VCF-style: chr1-6186722-G-A.
Other names: short protein forms Q1330*.
Identifiers: ClinVar variation 2691722 (VCV002691722.3), dbSNP rs2525372237, ClinGen allele CA338073785.